The following is an entry in ClinVar:

NM_000465.4(BARD1):c.1546T>C (p.Tyr516His)

Gene: BARD1 (BRCA1 associated RING domain 1; minus strand). Cytogenetic location: 2q35.
Variant type: single nucleotide variant.
Coding change: c.1546T>C on transcript NM_000465.4 (MANE Select); coding-DNA position 1546, T replaced by C.
Protein change: p.Tyr516His; replaces tyrosine 516 with histidine.
Molecular consequence: missense variant. On other transcripts: non-coding transcript variant (3), intron variant (3).
Genome position (GRCh38, 1-based): chr2:214,767,504, A>G on the plus strand (T>C on the coding strand, the complement: BARD1 is on the minus strand). VCF-style: chr2-214767504-A-G. GRCh37 (hg19) VCF-style: chr2-215632228-A-G.
Other names: c.1489T>C, p.Tyr497His (NM_001282543.2); c.159-14949T>C (NM_001282548.2); c.216-14949T>C (NM_001282545.2); c.364+24793T>C (NM_001282549.2); short protein forms Y497H, Y516H.
Identifiers: ClinVar variation 819475 (VCV000819475.13), dbSNP rs1574788120, ClinGen allele CA350448159.

ClinVar aggregate classification (germline): Conflicting classifications of pathogenicity. Review status: criteria provided, conflicting classifications (1 of 4 stars). 2 submissions from 2 submitters: Uncertain significance (1); Likely benign (1). Last evaluated 2025-11-17.

Conditions:
Familial cancer of breast. Also called: BREAST CANCER, FAMILIAL; Hereditary breast cancer; hereditary breast carcinoma. Identifiers: Orphanet 227535, MedGen C0346153, MONDO:0016419, OMIM 114480. Disease mechanism: loss of function.
Hereditary cancer-predisposing syndrome. Also called: Neoplastic Syndromes, Hereditary; Tumor predisposition; Hereditary Cancer Syndrome; Hereditary neoplastic syndrome. Identifiers: Orphanet 140162, MedGen C0027672, MeSH D009386, MONDO:0015356.

Allele frequency attached by ClinVar (database versions not stated): TOPMed below 0.00001.

Submissions (2):

Labcorp Genetics (formerly Invitae), Labcorp
Classification: Uncertain significance for Familial cancer of breast. Last evaluated: 2025-11-17. Review status: criteria provided, single submitter. Criteria: Invitae Variant Classification Sherloc (09022015). Collection method: clinical testing. Allele origin: germline.
Comment: This sequence change replaces tyrosine, which is neutral and polar, with histidine, which is basic and polar, at codon 516 of the BARD1 protein (p.Tyr516His). This variant is not present in population databases (gnomAD no frequency). This variant has not been reported in the literature in individuals affected with BARD1-related conditions. ClinVar contains an entry for this variant (Variation ID: 819475). An algorithm developed to predict the effect of missense changes on protein structure and function outputs the following: PolyPhen-2: "Benign". The histidine amino acid residue is found in multiple mammalian species, which suggests that this missense change does not adversely affect protein function. In summary, the available evidence is currently insufficient to determine the role of this variant in disease. Therefore, it has been classified as a Variant of Uncertain Significance.

Ambry Genetics
Classification: Likely benign for Hereditary cancer-predisposing syndrome. Last evaluated: 2024-02-26. Review status: criteria provided, single submitter. Criteria: Ambry Variant Classification Scheme 2023. Collection method: clinical testing. Allele origin: germline.